The following is an entry in ClinVar:

ClinVar aggregate classification (germline): Uncertain significance. Review status: criteria provided, multiple submitters, no conflicts (2 of 4 stars). 3 submissions from 3 submitters: Uncertain significance (3). Last evaluated 2024-01-29.

Conditions:
Inborn genetic diseases. Identifiers: MedGen C0950123, MeSH D030342.
Nephronophthisis. Also called: Juvenile Nephronophthisis. Identifiers: Orphanet 655, MedGen C0687120, MONDO:0019005, HP:0000090.
Senior-Loken syndrome 5 (SLSN5). Identifiers: Orphanet 3156, MedGen C1836517, MONDO:0012225, OMIM 609254.

Allele frequency attached by ClinVar (database versions not stated): gnomAD exomes below 0.00001; TOPMed below 0.00001.
gnomAD v4.1: 1 of 1,475,444 alleles (0.000068%); highest among the groups gnomAD compares: Admixed American, 0.0017%; no homozygotes.

Submissions (3):

Fulgent Genetics
Classification: Uncertain significance for Senior-Loken syndrome 5. Last evaluated: 2024-01-29. Review status: criteria provided, single submitter. Criteria: ACMG Guidelines, 2015. Collection method: clinical testing. Allele origin: germline.

Labcorp Genetics (formerly Invitae), Labcorp
Classification: Uncertain significance for Nephronophthisis. Last evaluated: 2022-08-20. Review status: criteria provided, single submitter. Criteria: Invitae Variant Classification Sherloc (09022015). Collection method: clinical testing. Allele origin: germline.
Comment: This sequence change replaces isoleucine, which is neutral and non-polar, with phenylalanine, which is neutral and non-polar, at codon 194 of the IQCB1 protein (p.Ile194Phe). In summary, the available evidence is currently insufficient to determine the role of this variant in disease. Therefore, it has been classified as a Variant of Uncertain Significance. Algorithms developed to predict the effect of missense changes on protein structure and function are either unavailable or do not agree on the potential impact of this missense change (SIFT: "Deleterious"; PolyPhen-2: "Benign"; Align-GVGD: "Class C0"). ClinVar contains an entry for this variant (Variation ID: 1039254). This variant has not been reported in the literature in individuals affected with IQCB1-related conditions. This variant is present in population databases (no rsID available, gnomAD 0.003%).

Ambry Genetics
Classification: Uncertain significance for Inborn genetic diseases. Last evaluated: 2022-03-11. Review status: criteria provided, single submitter. Criteria: Ambry Variant Classification Scheme 2023. Collection method: clinical testing. Allele origin: germline.

NM_001023570.4(IQCB1):c.580A>T (p.Ile194Phe)

Gene: IQCB1 (IQ motif containing B1; minus strand). Cytogenetic location: 3q13.33.
Variant type: single nucleotide variant.
Coding change: c.580A>T on transcript NM_001023570.4 (MANE Select); coding-DNA position 580, A replaced by T.
Protein change: p.Ile194Phe; replaces isoleucine 194 with phenylalanine.
Molecular consequence: missense variant. On other transcripts: non-coding transcript variant (1).
Genome position (GRCh38, 1-based): chr3:121,807,351, T>A on the plus strand (A>T on the coding strand, the complement: IQCB1 is on the minus strand). VCF-style: chr3-121807351-T-A. GRCh37 (hg19) VCF-style: chr3-121526198-T-A.
Other names: c.580A>T (NM_001023570.2); c.580A>T, p.Ile194Phe (NM_001023571.4, NM_001319107.2); short protein forms I194F.
Identifiers: ClinVar variation 1039254 (VCV001039254.12), dbSNP rs1412812453, ClinGen allele CA354105079.